The following is an entry in ClinVar:

ClinVar aggregate classification (germline): Likely pathogenic. Review status: criteria provided, multiple submitters, no conflicts (2 of 4 stars). 3 submissions from 3 submitters: Likely pathogenic (2). 1 of the submissions does not count toward it. Last evaluated 2026-02-01.

Conditions:
Global developmental delay (DD). Also called: Cognitive delay. Identifiers: MedGen C0557874, HP:0001263. Disease mechanism: loss of function.
Developmental and epileptic encephalopathy, 65. Also called: EPILEPTIC ENCEPHALOPATHY, EARLY INFANTILE, 65. Identifiers: MedGen C4693925, MONDO:0033374, OMIM 618008.

Submissions (3):

Clinical Genomics Laboratory, Washington University in St. Louis
Classification: Likely pathogenic for Developmental and epileptic encephalopathy, 65. Last evaluated: 2026-02-01. Review status: criteria provided, single submitter. Criteria: ACMG Guidelines, 2015. Collection method: clinical testing. Allele origin: germline. Affected: yes.
Comment: The CYFIP2 c.322T>C (p.Tyr108His) variant has been reported as occurring de novo in one individual affected with DEE65 (Zweier M et al., PMID: 30664714). This variant has been reported in the ClinVar database as a germline pathogenic variant by one submitter and as likely pathogenic by another submitter. This variant is absent from the general population (gnomAD v.4.1.0), indicating it is not a common variant. Computational predictors suggest that the variant does not impact CYFIP2 function. Functional studies using fibroblasts harboring this variant showed a significant impairment of migration compared with controls, indicating that this variant impacts protein function (Begemann A et al., PMID: 33149277). Based on available information and the ACMG/AMP guidelines for variant interpretation (Richards S et al., PMID: 25741868), this variant is classified as likely pathogenic.

Cytogénomique, Hospices Civils de Lyon
Classification: Likely pathogenic for Global developmental delay. Last evaluated: 2019-11-01. Review status: criteria provided, single submitter. Criteria: ACMG Guidelines, 2015. Collection method: clinical testing. Allele origin: de novo. Affected: yes.

OMIM
Classification: Pathogenic for DEVELOPMENTAL AND EPILEPTIC ENCEPHALOPATHY 65. Last evaluated: 2020-11-17. Review status: no assertion criteria provided. Collection method: literature only. Allele origin: germline. Not counted in ClinVar's aggregate classification.

Literature cited by the submitters: PubMed 30664714 (cited by OMIM).

NM_001037333.3(CYFIP2):c.322T>C (p.Tyr108His)

Gene: CYFIP2 (cytoplasmic FMR1 interacting protein 2; plus strand). Cytogenetic location: 5q33.3.
Variant type: single nucleotide variant.
Coding change: c.322T>C on transcript NM_001037333.3 (MANE Select); coding-DNA position 322, T replaced by C.
Protein change: p.Tyr108His; replaces tyrosine 108 with histidine.
Molecular consequence: missense variant.
Genome position (GRCh38, 1-based): chr5:157,296,709, T>C. VCF-style: chr5-157296709-T-C. GRCh37 (hg19) VCF-style: chr5-156723717-T-C.
Other names: c.244T>C, p.Tyr82His (NM_001291721.2); c.322T>C, p.Tyr108His (NM_001291722.2, NM_014376.4); short protein forms Y108H, Y82H.
Identifiers: ClinVar variation 973753 (VCV000973753.6), dbSNP rs2532288306, ClinGen allele CA361965933.